The following is an entry in ClinVar:

ClinVar aggregate classification (germline): Uncertain significance (1 of 4 stars; one submission).

Conditions:
Cerebellar dysfunction with variable cognitive and behavioral abnormalities (CECBA). Also called: Nonprogressive cerebellar atxia with intellectual disability. Identifiers: Orphanet 314647, MedGen C3553661, MONDO:0013886, OMIM 614756.

Allele frequency attached by ClinVar (database versions not stated): gnomAD exomes below 0.00001.
gnomAD v4.1: 4 of 1,614,070 alleles (0.00025%); highest among the groups gnomAD compares: Non-Finnish European, 0.00025%; no homozygotes.

Submission:

Illumina Laboratory Services, Illumina
Classification: Uncertain significance for Cerebellar dysfunction with variable cognitive and behavioral abnormalities. Last evaluated: 2021-06-17. Review status: criteria provided, single submitter. Criteria: ICSLVariantClassificationCriteria RUGD 01 April 2020. Collection method: clinical testing. Allele origin: unknown.
Comment: The CAMTA1 c.4223C>T (p.Thr1408Ile) variant is a missense variant. A literature search was conducted for the gene, cDNA change, and amino acid change. No publications were identified through this search. This variant is reported at a frequency of 0.000163 in the Other population of the Genome Aggregation Database (version 2.1.1), but this frequency is based on one allele only in a region of good sequencing coverage so the variant is presumed to be rare. The variant is not located in a known functional domain, and in silico algorithms differ in their predictions of the functional effects of this variant. Based on the limited evidence the p.Thr1408Ile variant is classified as a variant of uncertain significance for non-progressive cerebellar ataxia with intellectual disability.

NM_015215.4(CAMTA1):c.4223C>T (p.Thr1408Ile)

Gene: CAMTA1 (calmodulin binding transcription activator 1; plus strand). Cytogenetic location: 1p36.23.
Variant type: single nucleotide variant.
Coding change: c.4223C>T on transcript NM_015215.4 (MANE Select); coding-DNA position 4223, C replaced by T.
Protein change: p.Thr1408Ile; replaces threonine 1408 with isoleucine.
Molecular consequence: missense variant.
Genome position (GRCh38, 1-based): chr1:7,744,875, C>T. VCF-style: chr1-7744875-C-T. GRCh37 (hg19) VCF-style: chr1-7804935-C-T.
Other names: c.4133C>T, p.Thr1378Ile (NM_001349608.2); c.3884C>T, p.Thr1295Ile (NM_001349609.2, NM_001349610.2); c.3794C>T, p.Thr1265Ile (NM_001349612.2); c.1352C>T, p.Thr451Ile (NM_001349613.1); c.1295C>T, p.Thr432Ile (NM_001349614.1, NM_001349615.2, NM_001349616.2 and 2 more transcripts); c.956C>T, p.Thr319Ile (NM_001349619.2, NM_001349620.1, NM_001349621.1 and 5 more transcripts); short protein forms T1265I, T1295I, T1378I, T1408I, T319I, T432I, T451I.
Identifiers: ClinVar variation 1328548 (VCV001328548.4), dbSNP rs1435279555, ClinGen allele CA338139484.